The following is an entry in ClinVar:

NM_182961.4(SYNE1):c.2065C>T (p.Arg689Trp)

Gene: SYNE1 (spectrin repeat containing nuclear envelope protein 1; minus strand). Cytogenetic location: 6q25.2.
Variant type: single nucleotide variant.
Coding change: c.2065C>T on transcript NM_182961.4 (MANE Select); coding-DNA position 2065, C replaced by T.
Protein change: p.Arg689Trp; replaces arginine 689 with tryptophan.
Molecular consequence: missense variant.
Genome position (GRCh38, 1-based): chr6:152,463,385, G>A on the plus strand (C>T on the coding strand, the complement: SYNE1 is on the minus strand). VCF-style: chr6-152463385-G-A. GRCh37 (hg19) VCF-style: chr6-152784520-G-A.
Other names: c.2086C>T, p.Arg696Trp (NM_033071.5); short protein forms R696W, R689W.
Identifiers: ClinVar variation 4790895 (VCV004790895.1).

ClinVar aggregate classification (germline): Uncertain significance (1 of 4 stars; one submission).

Conditions:
Autosomal recessive ataxia, Beauce type. Also called: SYNE1-Related Autosomal Recessive Cerebellar Ataxia; Spinocerebellar ataxia, autosomal recessive 8; ATAXIA, RECESSIVE, OF BEAUCE; SYNE1 Deficiency. Identifiers: Orphanet 88644, MedGen C1853116, MONDO:0012549, OMIM 610743.
Emery-Dreifuss muscular dystrophy 4, autosomal dominant (EDMD4). Also called: EMERY-DREIFUSS MUSCULAR DYSTROPHY 4 WITH VARIABLE FEATURES. Identifiers: Orphanet 261, MedGen C2751807, MONDO:0013071, OMIM 612998.

gnomAD v4.1: 1 of 1,613,588 alleles (0.000062%); highest among the groups gnomAD compares: Non-Finnish European, 0.000085%; no homozygotes.

Submission:

Labcorp Genetics (formerly Invitae), Labcorp
Classification: Uncertain significance for Emery-Dreifuss muscular dystrophy 4, autosomal dominant; Autosomal recessive ataxia, Beauce type. Last evaluated: 2025-05-04. Review status: criteria provided, single submitter. Criteria: Invitae Variant Classification Sherloc (09022015). Collection method: clinical testing. Allele origin: germline.
Comment: This sequence change replaces arginine, which is basic and polar, with tryptophan, which is neutral and slightly polar, at codon 696 of the SYNE1 protein (p.Arg696Trp). This variant is not present in population databases (gnomAD no frequency). This variant has not been reported in the literature in individuals affected with SYNE1-related conditions. An algorithm developed to predict the effect of missense changes on protein structure and function (PolyPhen-2) suggests that this variant is likely to be disruptive. Algorithms developed to predict the effect of sequence changes on RNA splicing suggest that this variant may disrupt the consensus splice site. In summary, the available evidence is currently insufficient to determine the role of this variant in disease. Therefore, it has been classified as a Variant of Uncertain Significance.